The following is an entry in ClinVar:

NM_014251.3(SLC25A13):c.1610del (p.Ser536_Leu537insTer)

Gene: SLC25A13 (solute carrier family 25 member 13; minus strand). Cytogenetic location: 7q21.3.
Variant type: Deletion.
Coding change: c.1610del on transcript NM_014251.3 (MANE Select); coding-DNA position 1610, one base deleted (T; older notation c.1610delT).
Protein change: p.Ser536_Leu537insTer.
Molecular consequence: nonsense. On other transcripts: non-coding transcript variant (1).
Genome position (GRCh38, 1-based): chr7:96,121,979, A deleted on the plus strand (T on the coding strand, the reverse complement: SLC25A13 is on the minus strand); the first of 3 consecutive A bases (chr7:96,121,979-96,121,981); deleting any one gives the same sequence. VCF-style (leftmost placement, unchanged base first): chr7-96121978-TA-T. GRCh37 (hg19) VCF-style: chr7-95751290-TA-T.
Other names: c.1613del, p.Ser537_Leu538insTer (NM_001160210.2).
Identifiers: ClinVar variation 1379532 (VCV001379532.6), dbSNP rs750225643, ClinGen allele CA4352848.

ClinVar aggregate classification (germline): Pathogenic (1 of 4 stars; one submission).

Conditions:
Citrin deficiency. Identifiers: Orphanet 247582, MedGen C1997910, MONDO:0016602.

Submission:

Labcorp Genetics (formerly Invitae), Labcorp
Classification: Pathogenic for Citrin deficiency. Last evaluated: 2021-06-29. Review status: criteria provided, single submitter. Criteria: Invitae Variant Classification Sherloc (09022015). Collection method: clinical testing. Allele origin: germline.
Comment: For these reasons, this variant has been classified as Pathogenic. This variant has not been reported in the literature in individuals affected with SLC25A13-related conditions. This variant is present in population databases (rs750225643, ExAC 0.03%). This sequence change creates a premature translational stop signal (p.Leu537*) in the SLC25A13 gene. It is expected to result in an absent or disrupted protein product. Loss-of-function variants in SLC25A13 are known to be pathogenic (PMID: 10369257, 14680984, 27405544).

Literature cited by the submitters: PubMed 10369257; PubMed 14680984; PubMed 27405544.